The following is an entry in ClinVar:

ClinVar aggregate classification (germline): Uncertain significance (1 of 4 stars; one submission).

Conditions:
Atypical hemolytic-uremic syndrome. Identifiers: Orphanet 2134, MedGen C2931788, MONDO:0016244.
Basal laminar drusen. Also called: DRUSEN OF BRUCH MEMBRANE; DRUSEN, CUTICULAR; DRUSEN, EARLY ADULT-ONSET, GROUPED. Identifiers: Orphanet 75376, MedGen C0730295, MONDO:0007472, OMIM 126700.
Factor H deficiency (CFHD). Also called: COMPLEMENT FACTOR H DEFICIENCY; CFH DEFICIENCY. Identifiers: Orphanet 200421, MedGen C0398777, MONDO:0012350, OMIM 609814.
Age related macular degeneration 4. Identifiers: MedGen C1853147, MONDO:0012540, OMIM 610698.

Submission:

Genomenon, Inc
Classification: Uncertain significance for Basal laminar drusen; Age related macular degeneration 4; Atypical hemolytic-uremic syndrome; Factor H deficiency. Last evaluated: 2025-10-02. Review status: criteria provided, single submitter. Criteria: Genomenon Sequence Variant Interpretation Standards - Updated. Collection method: curation. Allele origin: germline. Affected: no.
Comment: CFH p.Lys351Arg (c.1052A>G) is a missense variant that changes the amino acid at residue 351 from Lysine to Arginine. This variant has been reported in the published literature (PMID:23133374). It is absent or not present at a significant frequency in gnomAD. In silico models agree that this variant is not damaging. In conclusion, we classify CFH p.Lys351Arg (c.1052A>G) as a variant of uncertain significance.

Literature cited by the submitters: PubMed 23133374.

NM_000186.4(CFH):c.1052A>G (p.Lys351Arg)

Gene: CFH (complement factor H; plus strand). Cytogenetic location: 1q31.3.
Variant type: single nucleotide variant.
Coding change: c.1052A>G on transcript NM_000186.4 (MANE Select); coding-DNA position 1052, A replaced by G.
Protein change: p.Lys351Arg; replaces lysine 351 with arginine.
Molecular consequence: missense variant.
Genome position (GRCh38, 1-based): chr1:196,689,507, A>G. VCF-style: chr1-196689507-A-G. GRCh37 (hg19) VCF-style: chr1-196658637-A-G.
Other names: c.1052A>G, p.Lys351Arg (NM_001014975.3); short protein forms K351R.
Identifiers: ClinVar variation 4291350 (VCV004291350.1).